The following is an entry in ClinVar:

NM_002497.4(NEK2):c.716G>A (p.Arg239His)

Gene: NEK2 (NIMA related kinase 2; minus strand). Cytogenetic location: 1q32.3.
Variant type: single nucleotide variant.
Coding change: c.716G>A on transcript NM_002497.4 (MANE Select); coding-DNA position 716, G replaced by A.
Protein change: p.Arg239His; replaces arginine 239 with histidine.
Molecular consequence: missense variant.
Genome position (GRCh38, 1-based): chr1:211,670,330, C>T on the plus strand (G>A on the coding strand, the complement: NEK2 is on the minus strand). VCF-style: chr1-211670330-C-T. GRCh37 (hg19) VCF-style: chr1-211843672-C-T.
Other names: c.716G>A (NM_002497.3); c.716G>A, p.Arg239His (NM_001204182.2, NM_001204183.2); short protein forms R239H.
Identifiers: ClinVar variation 2177588 (VCV002177588.6), dbSNP rs1264058723, ClinGen allele CA344779752.

ClinVar aggregate classification (germline): Uncertain significance. Review status: criteria provided, multiple submitters, no conflicts (2 of 4 stars). 3 submissions from 3 submitters: Uncertain significance (3). Last evaluated 2025-08-22.

Allele frequency attached by ClinVar (database versions not stated): gnomAD exomes below 0.00001; gnomAD 0.00001; TOPMed 0.00002.
gnomAD v4.1: 9 of 1,612,702 alleles (0.00056%); highest among the groups gnomAD compares: Middle Eastern, 0.017%; no homozygotes.

Submissions (3):

Ambry Genetics
Classification: Uncertain significance. Last evaluated: 2025-08-22. Review status: criteria provided, single submitter. Criteria: Ambry Variant Classification Scheme 2023. Collection method: clinical testing. Allele origin: germline.

Labcorp Genetics (formerly Invitae), Labcorp
Classification: Uncertain significance. Last evaluated: 2022-06-08. Review status: criteria provided, single submitter. Criteria: Invitae Variant Classification Sherloc (09022015). Collection method: clinical testing. Allele origin: germline.
Comment: In summary, the available evidence is currently insufficient to determine the role of this variant in disease. Therefore, it has been classified as a Variant of Uncertain Significance. Algorithms developed to predict the effect of missense changes on protein structure and function are either unavailable or do not agree on the potential impact of this missense change (SIFT: "Deleterious"; PolyPhen-2: "Benign"; Align-GVGD: "Class C25"). This variant has not been reported in the literature in individuals affected with NEK2-related conditions. This variant is present in population databases (no rsID available, gnomAD 0.003%). This sequence change replaces arginine, which is basic and polar, with histidine, which is basic and polar, at codon 239 of the NEK2 protein (p.Arg239His).

Blueprint Genetics
Classification: Uncertain significance. Last evaluated: 2019-01-04. Review status: criteria provided, single submitter. Criteria: ACMG Guidelines, 2015. Collection method: clinical testing. Allele origin: germline.